The following is an entry in ClinVar:

ClinVar aggregate classification (germline): Pathogenic (3 of 4 stars; one submission).

Conditions:
Glanzmann thrombasthenia. Also called: BLEEDING DISORDER, PLATELET-TYPE, 2; THROMBASTHENIA OF GLANZMANN AND NAEGELI; PLATELET GLYCOPROTEIN IIb-IIIa DEFICIENCY; Glanzmann's thrombasthenia; Thrombasthenia. Identifiers: Orphanet 849, MedGen C0040015, MONDO:0100326.

Submission:

ClinGen Platelet Disorders Variant Curation Expert Panel, ClinGen
Classification: Pathogenic for Glanzmann thrombasthenia. Last evaluated: 2020-09-06. Review status: reviewed by expert panel. Criteria: ClinGen Platelet ACMG Specifications v2. Collection method: curation. Allele origin: germline. Inheritance: Autosomal recessive inheritance.
Comment: The NM_000419.4:c.1075_1078del variant causes a frameshift and early termination of transcription, with predicted NMD of the mRNA. It is absent from population databases and is reported in one individual in the literature with a mild phenotype (PMID: 19172520). Based on the available evidence at this time, the c.1075_1078del variant is classified as pathogenic. GT-specific criteria met: PVS1, PM2_supporting, PP4_moderate.

Literature cited by the submitters: PubMed 19172520.

NM_000419.5(ITGA2B):c.1075_1078del (p.Val359fs)

Gene: ITGA2B (integrin subunit alpha 2b; minus strand). Cytogenetic location: 17q21.31.
Variant type: Microsatellite.
Coding change: c.1075_1078del on transcript NM_000419.5 (MANE Select); coding-DNA positions 1075 to 1078, 4 bases deleted (GTGT; older notation c.1075_1078delGTGT).
Protein change: p.Val359fs; shifts the reading frame from valine 359.
Molecular consequence: frameshift variant.
Genome position (GRCh38, 1-based): chr17:44,383,625-44,383,628, ACAC deleted on the plus strand (GTGT on the coding strand, the reverse complement: ITGA2B is on the minus strand); deleting any 4 consecutive bases within chr17:44,383,625-44,383,630 gives the same sequence; the c. name uses the placement nearest the transcript's 3' end. VCF-style (leftmost placement, unchanged base first): chr17-44383624-TACAC-T. GRCh37 (hg19) VCF-style: chr17-42460992-TACAC-T.
Other names: short protein forms V359fs.
Identifiers: ClinVar variation 953001 (VCV000953001.3), dbSNP rs2048615633, ClinGen allele CA913184943.